The following is an entry in ClinVar:

NM_006514.4(SCN10A):c.4157C>A (p.Pro1386His)

Gene: SCN10A (sodium voltage-gated channel alpha subunit 10; minus strand). Cytogenetic location: 3p22.2.
Variant type: single nucleotide variant.
Coding change: c.4157C>A on transcript NM_006514.4 (MANE Select); coding-DNA position 4157, C replaced by A.
Protein change: p.Pro1386His; replaces proline 1386 with histidine.
Molecular consequence: missense variant.
Genome position (GRCh38, 1-based): chr3:38,709,602, G>T on the plus strand (C>A on the coding strand, the complement: SCN10A is on the minus strand). VCF-style: chr3-38709602-G-T. GRCh37 (hg19) VCF-style: chr3-38751093-G-T.
Other names: c.4154C>A, p.Pro1385His (NM_001293306.2); c.3863C>A, p.Pro1288His (NM_001293307.2); short protein forms P1386H, P1385H, P1288H.
Identifiers: ClinVar variation 3438101 (VCV003438101.1).

ClinVar aggregate classification (germline): Uncertain significance (1 of 4 stars; one submission).

Conditions:
Cardiovascular phenotype. Identifiers: MedGen CN230736.

gnomAD v4.1: 7 of 1,604,750 alleles (0.00044%); highest among the groups gnomAD compares: African/African-American, 0.0027%; no homozygotes.

Submission:

Ambry Genetics
Classification: Uncertain significance for Cardiovascular phenotype. Last evaluated: 2024-08-04. Review status: criteria provided, single submitter. Criteria: Ambry Variant Classification Scheme 2023. Collection method: clinical testing. Allele origin: germline.
Comment: The p.P1386H variant (also known as c.4157C>A), located in coding exon 24 of the SCN10A gene, results from a C to A substitution at nucleotide position 4157. The proline at codon 1386 is replaced by histidine, an amino acid with similar properties. This amino acid position is conserved. In addition, this alteration is predicted to be deleterious by in silico analysis. Based on the available evidence, the clinical significance of this variant remains unclear.